The following is an entry in ClinVar:

ClinVar aggregate classification (germline): Pathogenic (1 of 4 stars; one submission).

Submission:

Labcorp Genetics (formerly Invitae), Labcorp
Classification: Pathogenic. Last evaluated: 2023-08-28. Review status: criteria provided, single submitter. Criteria: Invitae Variant Classification Sherloc (09022015). Collection method: clinical testing. Allele origin: germline.
Comment: For these reasons, this variant has been classified as Pathogenic. Algorithms developed to predict the effect of sequence changes on RNA splicing suggest that this variant may disrupt the consensus splice site. This variant has not been reported in the literature in individuals affected with TG-related conditions. This variant is not present in population databases (gnomAD no frequency). This sequence change creates a premature translational stop signal (p.Asn2667Ilefs*44) in the TG gene. It is expected to result in an absent or disrupted protein product. Loss-of-function variants in TG are known to be pathogenic (PMID: 19837936, 23164529).

Literature cited by the submitters: PubMed 19837936; PubMed 23164529.

NM_003235.5(TG):c.8000del (p.Asn2667fs)

Gene: TG (thyroglobulin; plus strand). Cytogenetic location: 8q24.22.
Variant type: Deletion.
Coding change: c.8000del on transcript NM_003235.5 (MANE Select); coding-DNA position 8000, one base deleted (A; older notation c.8000delA).
Protein change: p.Asn2667fs; shifts the reading frame from asparagine 2667.
Molecular consequence: frameshift variant.
Genome position (GRCh38, 1-based): chr8:133,133,472, A deleted; the last of 3 consecutive A bases (chr8:133,133,470-133,133,472); deleting any one gives the same sequence. VCF-style (leftmost placement, unchanged base first): chr8-133133469-GA-G. GRCh37 (hg19) VCF-style: chr8-134145713-GA-G.
Other names: short protein forms N2667fs.
Identifiers: ClinVar variation 2755234 (VCV002755234.3), dbSNP rs2537824316, ClinGen allele CA2697550173.